The following is an entry in ClinVar:

NM_004438.5(EPHA4):c.2576A>G (p.Asp859Gly)

Gene: EPHA4 (EPH receptor A4; minus strand). Cytogenetic location: 2q36.1.
Variant type: single nucleotide variant.
Coding change: c.2576A>G on transcript NM_004438.5 (MANE Select); coding-DNA position 2576, A replaced by G.
Protein change: p.Asp859Gly; replaces aspartic acid 859 with glycine.
Molecular consequence: missense variant.
Genome position (GRCh38, 1-based): chr2:221,430,072, T>C on the plus strand (A>G on the coding strand, the complement: EPHA4 is on the minus strand). VCF-style: chr2-221430072-T-C. GRCh37 (hg19) VCF-style: chr2-222294792-T-C.
Other names: c.2576A>G, p.Asp859Gly (NM_001304536.2, NM_001363748.2); c.2423A>G, p.Asp808Gly (NM_001304537.2); short protein forms D808G, D859G.
Identifiers: ClinVar variation 1915392 (VCV001915392.5), dbSNP rs1056023957, ClinGen allele CA65609342.

ClinVar aggregate classification (germline): Uncertain significance (1 of 4 stars; one submission).

Allele frequency attached by ClinVar (database versions not stated): TOPMed below 0.00001.

Submission:

Labcorp Genetics (formerly Invitae), Labcorp
Classification: Uncertain significance. Last evaluated: 2025-04-21. Review status: criteria provided, single submitter. Criteria: Invitae Variant Classification Sherloc (09022015). Collection method: clinical testing. Allele origin: germline.
Comment: This sequence change replaces aspartic acid, which is acidic and polar, with glycine, which is neutral and non-polar, at codon 859 of the EPHA4 protein (p.Asp859Gly). This variant is not present in population databases (gnomAD no frequency). This variant has not been reported in the literature in individuals affected with EPHA4-related conditions. ClinVar contains an entry for this variant (Variation ID: 1915392). Invitae Evidence Modeling of protein sequence and biophysical properties (such as structural, functional, and spatial information, amino acid conservation, physicochemical variation, residue mobility, and thermodynamic stability) indicates that this missense variant is expected to disrupt EPHA4 protein function with a positive predictive value of 80%. In summary, the available evidence is currently insufficient to determine the role of this variant in disease. Therefore, it has been classified as a Variant of Uncertain Significance.